The following is an entry in ClinVar:

ClinVar aggregate classification (germline): Uncertain significance. Review status: criteria provided, multiple submitters, no conflicts (2 of 4 stars). 3 submissions from 3 submitters: Uncertain significance (3). Last evaluated 2024-12-11.

Conditions:
Autosomal recessive limb-girdle muscular dystrophy type 2L (LGMDR12). Also called: Limb-girdle muscular dystrophy, type 2L; Limb-Girdle Muscular Dystrophy R12 Anoctamin-5-Related (LGMD-R12); MUSCULAR DYSTROPHY, LIMB-GIRDLE, AUTOSOMAL RECESSIVE 12. Identifiers: Orphanet 206549, MedGen C1969785, MONDO:0012652, OMIM 611307.
Gnathodiaphyseal dysplasia (GDD). Also called: GNATHODIAPHYSEAL SCLEROSIS; OSTEOGENESIS IMPERFECTA WITH UNUSUAL SKELETAL LESIONS. Identifiers: Orphanet 53697, MedGen C1833736, MONDO:0008151, OMIM 166260.

Allele frequency attached by ClinVar (database versions not stated): gnomAD 0.00001; gnomAD exomes 0.00001; ExAC 0.00002; TOPMed 0.00002.
gnomAD v4.1: 20 of 1,613,922 alleles (0.0012%); highest among the groups gnomAD compares: African/African-American, 0.0027%; no homozygotes.

Submissions (3):

Labcorp Genetics (formerly Invitae), Labcorp
Classification: Uncertain significance for Autosomal recessive limb-girdle muscular dystrophy type 2L; Gnathodiaphyseal dysplasia. Last evaluated: 2024-12-11. Review status: criteria provided, single submitter. Criteria: Invitae Variant Classification Sherloc (09022015). Collection method: clinical testing. Allele origin: germline.
Comment: This sequence change replaces arginine, which is basic and polar, with glutamine, which is neutral and polar, at codon 645 of the ANO5 protein (p.Arg645Gln). This variant is present in population databases (rs762414395, gnomAD 0.003%). This variant has not been reported in the literature in individuals affected with ANO5-related conditions. ClinVar contains an entry for this variant (Variation ID: 289104). Invitae Evidence Modeling of protein sequence and biophysical properties (such as structural, functional, and spatial information, amino acid conservation, physicochemical variation, residue mobility, and thermodynamic stability) has been performed for this missense variant. However, the output from this modeling did not meet the statistical confidence thresholds required to predict the impact of this variant on ANO5 protein function. In summary, the available evidence is currently insufficient to determine the role of this variant in disease. Therefore, it has been classified as a Variant of Uncertain Significance.

Revvity Omics, Revvity
Classification: Uncertain significance. Last evaluated: 2021-11-16. Review status: criteria provided, single submitter. Criteria: ACMG Guidelines, 2015. Collection method: clinical testing. Allele origin: germline.

Eurofins Ntd Llc (ga)
Classification: Uncertain significance. Last evaluated: 2016-07-08. Review status: criteria provided, single submitter. Criteria: EGL Classification Definitions 2015. Collection method: clinical testing. Allele origin: germline. Observed: 1 variant allele, 1 heterozygote.

NM_213599.3(ANO5):c.1934G>A (p.Arg645Gln)

Gene: ANO5 (anoctamin 5; plus strand). Cytogenetic location: 11p14.3.
Variant type: single nucleotide variant.
Coding change: c.1934G>A on transcript NM_213599.3 (MANE Select); coding-DNA position 1934, G replaced by A.
Protein change: p.Arg645Gln; replaces arginine 645 with glutamine.
Molecular consequence: missense variant.
Genome position (GRCh38, 1-based): chr11:22,270,347, G>A. VCF-style: chr11-22270347-G-A. GRCh37 (hg19) VCF-style: chr11-22291893-G-A.
Other names: c.1934G>A (NM_213599.2); c.1931G>A, p.Arg644Gln (NM_001142649.2); short protein forms R645Q, R644Q.
Identifiers: ClinVar variation 289104 (VCV000289104.16), dbSNP rs762414395, ClinGen allele CA5923412.